The following is an entry in ClinVar:

ClinVar aggregate classification (germline): Conflicting classifications of pathogenicity. Review status: criteria provided, conflicting classifications (1 of 4 stars). 4 submissions from 4 submitters: Uncertain significance (2); Likely benign (1). 1 of the submissions does not count toward it. Last evaluated 2021-08-31.

Conditions:
Autosomal recessive limb-girdle muscular dystrophy type 2C (LGMDR5). Also called: MUSCULAR DYSTROPHY, LIMB-GIRDLE, AUTOSOMAL RECESSIVE 5; MUSCULAR DYSTROPHY, DUCHENNE-LIKE. Identifiers: Orphanet 353, MedGen C0410173, MONDO:0009677, OMIM 253700. Disease mechanism: Affects gamma-sarcoglycan and also disrupts the integrity of the entire sarcoglycan complex..
Primary dilated cardiomyopathy (DCM). Also called: Dilated Cardiomyopathy. Identifiers: Orphanet 217604, MedGen C0007193, MeSH D002311, MONDO:0005021, HP:0001644. Inheritance: Various modes of inheritance.
Sarcoglycanopathy. Identifiers: Orphanet 207052, MedGen C2936331, MONDO:0016140.

Allele frequency attached by ClinVar (database versions not stated): gnomAD 0.00004 and 0.00005; ExAC 0.00008; gnomAD exomes 0.00010; TOPMed 0.00010; 1000 Genomes Project 30x 0.00016; 1000 Genomes Project 0.00020.
gnomAD v4.1: 57 of 1,609,814 alleles (0.0035%); highest among the groups gnomAD compares: East Asian, 0.11%; no homozygotes.

Submissions (4):

Labcorp Genetics (formerly Invitae), Labcorp
Classification: Uncertain significance for Autosomal recessive limb-girdle muscular dystrophy type 2C. Last evaluated: 2021-08-31. Review status: criteria provided, single submitter. Criteria: Invitae Variant Classification Sherloc (09022015). Collection method: clinical testing. Allele origin: germline.
Comment: This sequence change replaces glycine with valine at codon 124 of the SGCG protein (p.Gly124Val). The glycine residue is moderately conserved and there is a moderate physicochemical difference between glycine and valine. This variant is present in population databases (rs183204936, ExAC 0.1%). This variant has not been reported in the literature in individuals affected with SGCG-related conditions. Algorithms developed to predict the effect of missense changes on protein structure and function are either unavailable or do not agree on the potential impact of this missense change (SIFT: "Deleterious"; PolyPhen-2: "Probably Damaging"; Align-GVGD: "Class C15"). In summary, the available evidence is currently insufficient to determine the role of this variant in disease. Therefore, it has been classified as a Variant of Uncertain Significance.

Center for Advanced Laboratory Medicine, UC San Diego Health, University of California San Diego
Classification: Likely benign for Dilated cardiomyopathy. Last evaluated: 2019-05-08. Review status: criteria provided, single submitter. Criteria: ACMG Guidelines, 2015. Collection method: clinical testing. Allele origin: germline. Affected: yes. Observed: 1 variant allele.

Illumina Laboratory Services, Illumina
Classification: Uncertain significance for Sarcoglycanopathy. Last evaluated: 2018-01-12. Review status: criteria provided, single submitter. Criteria: ICSL Variant Classification Criteria 13 December 2019. Collection method: clinical testing. Allele origin: germline.

Natera, Inc.
Classification: Uncertain significance for Limb-girdle muscular dystrophy type 2C. Last evaluated: 2020-02-26. Review status: no assertion criteria provided. Collection method: clinical testing. Allele origin: germline. Not counted in ClinVar's aggregate classification.

NM_000231.3(SGCG):c.371G>T (p.Gly124Val)

Gene: SGCG (sarcoglycan gamma; plus strand). Cytogenetic location: 13q12.12.
Variant type: single nucleotide variant.
Coding change: c.371G>T on transcript NM_000231.3 (MANE Select); coding-DNA position 371, G replaced by T.
Protein change: p.Gly124Val; replaces glycine 124 with valine.
Molecular consequence: missense variant.
Genome position (GRCh38, 1-based): chr13:23,250,703, G>T. VCF-style: chr13-23250703-G-T. GRCh37 (hg19) VCF-style: chr13-23824842-G-T.
Other names: c.425G>T, p.Gly142Val (NM_001378244.1); c.371G>T, p.Gly124Val (NM_001378245.1, NM_001378246.1); short protein forms G124V, G142V.
Identifiers: ClinVar variation 691731 (VCV000691731.11), dbSNP rs183204936, ClinGen allele CA6909656.